The following is an entry in ClinVar:

NM_003177.7(SYK):c.1056C>T (p.Tyr352=)

Gene: SYK (spleen associated tyrosine kinase; plus strand). Cytogenetic location: 9q22.2.
Variant type: single nucleotide variant.
Coding change: c.1056C>T on transcript NM_003177.7 (MANE Select); coding-DNA position 1056, C replaced by T.
Protein change: p.Tyr352=; no amino-acid change (tyrosine 352 retained).
Molecular consequence: synonymous variant.
Genome position (GRCh38, 1-based): chr9:90,874,724, C>T. VCF-style: chr9-90874724-C-T. GRCh37 (hg19) VCF-style: chr9-93637006-C-T.
Other names: c.987C>T, p.Tyr329= (NM_001135052.4, NM_001174168.3); c.1056C>T, p.Tyr352= (NM_001174167.3).
Identifiers: ClinVar variation 3341527 (VCV003341527.17).

ClinVar aggregate classification (germline): Benign/Likely benign. Review status: criteria provided, multiple submitters, no conflicts (2 of 4 stars). 2 submissions from 2 submitters: Benign (1); Likely benign (1). Last evaluated 2026-09-01.

gnomAD v4.1: 8,927 of 1,614,096 alleles (0.55%); highest among the groups gnomAD compares: Non-Finnish European, 0.66%; 44 homozygotes.

Submissions (2):

CeGaT Center for Human Genetics Tuebingen
Classification: Likely benign. Last evaluated: 2026-09-01. Review status: criteria provided, single submitter. Criteria: CeGaT Center For Human Genetics Tuebingen Variant Classification Criteria Version 2. Collection method: clinical testing. Allele origin: germline. Affected: yes. Observed: 13 variant alleles.
Comment: SYK: BP4, BP7, BS2

Women's Health and Genetics/Laboratory Corporation of America, LabCorp
Classification: Benign. Last evaluated: 2026-01-22. Review status: criteria provided, single submitter. Criteria: LabCorp Variant Classification Summary - May 2015. Collection method: clinical testing. Allele origin: germline.